The following is an entry in ClinVar:

NM_005751.5(AKAP9):c.8101A>G (p.Thr2701Ala)

Gene: AKAP9 (A-kinase anchoring protein 9; plus strand). Cytogenetic location: 7q21.2.
Variant type: single nucleotide variant.
Coding change: c.8101A>G on transcript NM_005751.5 (MANE Select); coding-DNA position 8101, A replaced by G.
Protein change: p.Thr2701Ala; replaces threonine 2701 with alanine.
Molecular consequence: missense variant.
Genome position (GRCh38, 1-based): chr7:92,082,603, A>G. VCF-style: chr7-92082603-A-G. GRCh37 (hg19) VCF-style: chr7-91711917-A-G.
Other names: c.2746A>G, p.Thr916Ala (NM_001379277.1); c.8077A>G, p.Thr2693Ala (NM_147185.3); short protein forms T2693A, T2701A, T916A.
Identifiers: ClinVar variation 3225097 (VCV003225097.1), dbSNP rs1471648697, ClinGen allele CA368137352.
Genomic context (GRCh38, chr7:92,082,603, plus strand): 5'-AGCAATGAAGAAAGTGGATTTTTTAATGAACTCGAGGCTCTTAGAGCTGAATCAGTGGCT[A>G]CCAAAGCAGAACTTGCCAGTTATAAAGAAAAGGCTGAAAAACTTCAAGAAGAGCTTTTGG-3'
Protein context (NP_005742.4, residues 2691-2711): LEALRAESVA[Thr2701Ala]KAELASYKEK

ClinVar aggregate classification (germline): Uncertain significance (1 of 4 stars; one submission).

Conditions:
Cardiovascular phenotype. Identifiers: MedGen CN230736.

Allele frequency attached by ClinVar (database versions not stated): gnomAD exomes 0.00001.
gnomAD v4.1: 5 of 1,614,054 alleles (0.00031%); highest among the groups gnomAD compares: South Asian, 0.0011%; no homozygotes.

Submission:

Ambry Genetics
Classification: Uncertain significance for Cardiovascular phenotype. Last evaluated: 2023-09-24. Review status: criteria provided, single submitter. Criteria: Ambry Variant Classification Scheme 2023. Collection method: clinical testing. Allele origin: germline.
Comment: The p.T2701A variant (also known as c.8101A>G), located in coding exon 32 of the AKAP9 gene, results from an A to G substitution at nucleotide position 8101. The threonine at codon 2701 is replaced by alanine, an amino acid with similar properties. This amino acid position is conserved. In addition, this alteration is predicted to be tolerated by in silico analysis. Since supporting evidence is limited at this time, the clinical significance of this alteration remains unclear.